The following is an entry in ClinVar:

ClinVar aggregate classification (germline): Uncertain significance. Review status: criteria provided, multiple submitters, no conflicts (2 of 4 stars). 2 submissions from 2 submitters: Uncertain significance (2). Last evaluated 2024-11-07.

Conditions:
Cone-rod dystrophy 13 (CORD13). Identifiers: Orphanet 1872, MedGen C2750720, MONDO:0011987, OMIM 608194.
Leber congenital amaurosis 6 (LCA6). Identifiers: Orphanet 65, MedGen C1854260, MONDO:0013446, OMIM 613826.

Allele frequency attached by ClinVar (database versions not stated): gnomAD 0.00001; TOPMed 0.00002.
gnomAD v4.1: 19 of 1,613,596 alleles (0.0012%); highest among the groups gnomAD compares: Non-Finnish European, 0.0016%; no homozygotes.

Submissions (2):

Blueprint Genetics
Classification: Uncertain significance. Last evaluated: 2024-11-07. Review status: criteria provided, single submitter. Criteria: ACMG Guidelines, 2015. Collection method: clinical testing. Allele origin: germline.

Labcorp Genetics (formerly Invitae), Labcorp
Classification: Uncertain significance for Leber congenital amaurosis 6; Cone-rod dystrophy 13. Last evaluated: 2023-12-10. Review status: criteria provided, single submitter. Criteria: Invitae Variant Classification Sherloc (09022015). Collection method: clinical testing. Allele origin: germline.
Comment: This sequence change replaces aspartic acid, which is acidic and polar, with glutamic acid, which is acidic and polar, at codon 1150 of the RPGRIP1 protein (p.Asp1150Glu). This variant is present in population databases (rs527354795, gnomAD 0.0009%). This variant has not been reported in the literature in individuals affected with RPGRIP1-related conditions. ClinVar contains an entry for this variant (Variation ID: 1020828). Advanced modeling of protein sequence and biophysical properties (such as structural, functional, and spatial information, amino acid conservation, physicochemical variation, residue mobility, and thermodynamic stability) performed at Invitae indicates that this missense variant is expected to disrupt RPGRIP1 protein function with a positive predictive value of 80%. In summary, the available evidence is currently insufficient to determine the role of this variant in disease. Therefore, it has been classified as a Variant of Uncertain Significance.

NM_020366.4(RPGRIP1):c.3450C>G (p.Asp1150Glu)

Gene: RPGRIP1 (RPGR interacting protein 1; plus strand). Cytogenetic location: 14q11.2.
Variant type: single nucleotide variant.
Coding change: c.3450C>G on transcript NM_020366.4 (MANE Select); coding-DNA position 3450, C replaced by G.
Protein change: p.Asp1150Glu; replaces aspartic acid 1150 with glutamic acid.
Molecular consequence: missense variant.
Genome position (GRCh38, 1-based): chr14:21,343,146, C>G. VCF-style: chr14-21343146-C-G. GRCh37 (hg19) VCF-style: chr14-21811305-C-G.
Other names: c.1428C>G, p.Asp476Glu (NM_001377523.1, NM_001377950.1); c.2376C>G, p.Asp792Glu (NM_001377948.1); c.1536C>G, p.Asp512Glu (NM_001377949.1); c.933C>G, p.Asp311Glu (NM_001377951.1); short protein forms D1150E, D311E, D476E, D512E, D792E.
Identifiers: ClinVar variation 1020828 (VCV001020828.5), dbSNP rs527354795, ClinGen allele CA257547050.